The following is an entry in ClinVar:

ClinVar aggregate classification (germline): Pathogenic (1 of 4 stars; one submission).

Conditions:
Maple syrup urine disease (MSUD). Identifiers: Orphanet 511, MedGen C0024776, MeSH D008375, MONDO:0009563. Disease mechanism: loss of function.

Submission:

Labcorp Genetics (formerly Invitae), Labcorp
Classification: Pathogenic for Maple syrup urine disease. Last evaluated: 2023-03-04. Review status: criteria provided, single submitter. Criteria: Invitae Variant Classification Sherloc (09022015). Collection method: clinical testing. Allele origin: unknown.
Comment: This variant is a gross deletion of the genomic region encompassing exon(s) 1 of the DBT gene, which includes the initiator codon. This deletion extends beyond the assayed region for this gene and therefore may encompass additional genes. It is expected to result in an absent or disrupted protein product. Loss-of-function variants in DBT are known to be pathogenic (PMID: 16579849, 16786533). For these reasons, this variant has been classified as Pathogenic. This variant has not been reported in the literature in individuals affected with DBT-related conditions.

Literature cited by the submitters: PubMed 16579849; PubMed 16786533.

NC_000001.10:g.(?_100715306)_(100715376_?)del

Gene: DBT (dihydrolipoamide branched chain transacylase E2; minus strand). Cytogenetic location: 1p21.2.
Variant type: Deletion.
Identifiers: ClinVar variation 3247642 (VCV003247642.1).